The following is an entry in ClinVar:

ClinVar aggregate classification (germline): Uncertain significance (1 of 4 stars; one submission).

gnomAD v4.1: 1 of 1,613,920 alleles (0.000062%); highest among the groups gnomAD compares: Admixed American, 0.0017%; no homozygotes.

Submission:

Labcorp Genetics (formerly Invitae), Labcorp
Classification: Uncertain significance. Last evaluated: 2023-12-11. Review status: criteria provided, single submitter. Criteria: Invitae Variant Classification Sherloc (09022015). Collection method: clinical testing. Allele origin: germline.
Comment: This sequence change replaces arginine, which is basic and polar, with serine, which is neutral and polar, at codon 191 of the PLVAP protein (p.Arg191Ser). This variant is not present in population databases (gnomAD no frequency). This variant has not been reported in the literature in individuals affected with PLVAP-related conditions. ClinVar contains an entry for this variant (Variation ID: 2006134). Advanced modeling of protein sequence and biophysical properties (such as structural, functional, and spatial information, amino acid conservation, physicochemical variation, residue mobility, and thermodynamic stability) performed at Invitae indicates that this missense variant is expected to disrupt PLVAP protein function with a positive predictive value of 80%. In summary, the available evidence is currently insufficient to determine the role of this variant in disease. Therefore, it has been classified as a Variant of Uncertain Significance.

NM_031310.3(PLVAP):c.571C>A (p.Arg191Ser)

Gene: PLVAP (plasmalemma vesicle associated protein; minus strand). Cytogenetic location: 19p13.11.
Variant type: single nucleotide variant.
Coding change: c.571C>A on transcript NM_031310.3 (MANE Select); coding-DNA position 571, C replaced by A.
Protein change: p.Arg191Ser; replaces arginine 191 with serine.
Molecular consequence: missense variant.
Genome position (GRCh38, 1-based): chr19:17,365,894, G>T on the plus strand (C>A on the coding strand, the complement: PLVAP is on the minus strand). VCF-style: chr19-17365894-G-T. GRCh37 (hg19) VCF-style: chr19-17476703-G-T.
Other names: short protein forms R191S.
Identifiers: ClinVar variation 2006134 (VCV002006134.4), dbSNP rs776368180, ClinGen allele CA404676980.
Genomic context (GRCh38, chr19:17,365,894, plus strand): 5'-GCTCTTGGTGCTGCAGCTCCCGGGTTTTCACGCATTCAACCAGCTGTTCCTCCGCCACGC[G>T]TTTGTTCAGCAGCACGCTTTCCTTATCCTTAGTGCAAATGGTCTTCTCCTTGGCTATCTC-3'
Protein context (NP_112600.1, residues 181-201): KDKESVLLNK[Arg191Ser]VAEEQLVECV